The following is an entry in ClinVar:

NM_139057.4(ADAMTS17):c.1840C>T (p.Arg614Trp)

Gene: ADAMTS17 (ADAM metallopeptidase with thrombospondin type 1 motif 17; minus strand). Cytogenetic location: 15q26.3.
Variant type: single nucleotide variant.
Coding change: c.1840C>T on transcript NM_139057.4 (MANE Select); coding-DNA position 1840, C replaced by T.
Protein change: p.Arg614Trp; replaces arginine 614 with tryptophan.
Molecular consequence: missense variant.
Genome position (GRCh38, 1-based): chr15:100,116,895, G>A on the plus strand (C>T on the coding strand, the complement: ADAMTS17 is on the minus strand). VCF-style: chr15-100116895-G-A. GRCh37 (hg19) VCF-style: chr15-100657100-G-A.
Other names: short protein forms R614W.
Identifiers: ClinVar variation 315282 (VCV000315282.14), dbSNP rs200745301, ClinGen allele CA7758046.

ClinVar aggregate classification (germline): Benign/Likely benign. Review status: criteria provided, multiple submitters, no conflicts (2 of 4 stars). 4 submissions from 4 submitters: Benign (3); Likely benign (1). Last evaluated 2026-01-01.

Conditions:
Weill-Marchesani 4 syndrome, recessive. Also called: Weill-Marchesani syndrome 4. Identifiers: Orphanet 363992, MedGen C2750787, MONDO:0013176, OMIM 613195.

Allele frequency attached by ClinVar (database versions not stated): gnomAD 0.00004 and 0.00044; TOPMed 0.00012; gnomAD exomes 0.00072 and 0.00144; ExAC 0.00160; 1000 Genomes Project 0.00280; 1000 Genomes Project 30x 0.00281.
gnomAD v4.1: 1,130 of 1,614,152 alleles (0.07%); highest among the groups gnomAD compares: South Asian, 1.1%; 18 homozygotes.

Submissions (4):

Labcorp Genetics (formerly Invitae), Labcorp
Classification: Benign. Last evaluated: 2026-01-01. Review status: criteria provided, single submitter. Criteria: Invitae Variant Classification Sherloc (09022015). Collection method: clinical testing. Allele origin: germline.

Blueprint Genetics
Classification: Likely benign. Last evaluated: 2024-11-18. Review status: criteria provided, single submitter. Criteria: ACMG Guidelines, 2015. Collection method: clinical testing. Allele origin: germline.

Fulgent Genetics
Classification: Benign for Weill-Marchesani 4 syndrome, recessive. Last evaluated: 2021-07-24. Review status: criteria provided, single submitter. Criteria: ACMG Guidelines, 2015. Collection method: clinical testing. Allele origin: unknown.

Illumina Laboratory Services, Illumina
Classification: Benign for Weill-Marchesani 4 syndrome, recessive. Last evaluated: 2018-01-12. Review status: criteria provided, single submitter. Criteria: ICSL Variant Classification Criteria 13 December 2019. Collection method: clinical testing. Allele origin: germline.
Comment: This variant was observed in the ICSL laboratory as part of a predisposition screen in an ostensibly healthy population. It had not been previously curated by ICSL or reported in the Human Gene Mutation Database (HGMD: prior to June 1st, 2018), and was therefore a candidate for classification through an automated scoring system. Utilizing variant allele frequency, disease prevalence and penetrance estimates, and inheritance mode, an automated score was calculated to assess if this variant is too frequent to cause the disease. Based on the score and internal cut-off values, a variant classified as benign is not then subjected to further curation. The score for this variant resulted in a classification of benign for this disease.